The following is an entry in ClinVar:

NM_001369.3(DNAH5):c.3020del (p.Leu1007fs)

Genes: DNAH5 (dynein axonemal heavy chain 5; minus strand), DNAH5-AS1 (DNAH5 antisense RNA 1; plus strand). Cytogenetic location: 5p15.2.
Variant type: Deletion.
Coding change: c.3020del on transcript NM_001369.3 (MANE Select); coding-DNA position 3020, one base deleted (T; older notation c.3020delT).
Protein change: p.Leu1007fs; shifts the reading frame from leucine 1007.
Molecular consequence: frameshift variant.
Genome position (GRCh38, 1-based): chr5:13,883,058, A deleted on the plus strand (T on the coding strand, the reverse complement: DNAH5 is on the minus strand); the first of 3 consecutive A bases (chr5:13,883,058-13,883,060); deleting any one gives the same sequence. VCF-style (leftmost placement, unchanged base first): chr5-13883057-CA-C. GRCh37 (hg19) VCF-style: chr5-13883166-CA-C.
Other names: c.3020delT (NM_001369.2); short protein forms L1007fs.
Identifiers: ClinVar variation 1073021 (VCV001073021.8), dbSNP rs1771899943, ClinGen allele CA1528482455.

ClinVar aggregate classification (germline): Pathogenic/Likely pathogenic. Review status: criteria provided, multiple submitters, no conflicts (2 of 4 stars). 2 submissions from 2 submitters: Pathogenic (1); Likely pathogenic (1). Last evaluated 2025-03-24.

Conditions:
Primary ciliary dyskinesia. Also called: Ciliary dyskinesia. Identifiers: Orphanet 244, MedGen C0008780, MONDO:0016575, HP:0012265.

Submissions (2):

Natera, Inc.
Classification: Likely pathogenic for Primary ciliary dyskinesia. Last evaluated: 2025-03-24. Review status: criteria provided, single submitter. Criteria: Natera Variant Classification Schema (03/2026). Collection method: clinical testing. Allele origin: germline.
Comment: The c.3020delT variant in DNAH5 is a frameshift variant predicted to shift the reading frame beginning at codon 1007 and leads to a stop codon 28 codons downstream. This variant is expected to result in nonsense mediated decay, truncation, or a dysfunctional protein product. This variant is rare in the general population with a frequency below the threshold expected for the associated phenotype(s). Given the available evidence, this variant is classified as Likely Pathogenic.

Labcorp Genetics (formerly Invitae), Labcorp
Classification: Pathogenic for Primary ciliary dyskinesia. Last evaluated: 2020-06-13. Review status: criteria provided, single submitter. Criteria: Invitae Variant Classification Sherloc (09022015). Collection method: clinical testing. Allele origin: germline.
Comment: For these reasons, this variant has been classified as Pathogenic. Loss-of-function variants in DNAH5 are known to be pathogenic (PMID: 11788826, 16627867). This variant has not been reported in the literature in individuals with DNAH5-related conditions. This variant is not present in population databases (ExAC no frequency). This sequence change creates a premature translational stop signal (p.Leu1007Cysfs*28) in the DNAH5 gene. It is expected to result in an absent or disrupted protein product.

Literature cited by the submitters: PubMed 11788826 (cited by Labcorp Genetics (formerly Invitae), Labcorp); PubMed 16627867 (cited by Labcorp Genetics (formerly Invitae), Labcorp).